The following is an entry in ClinVar:

NM_000260.4(MYO7A):c.1971dup (p.Tyr658fs)

Gene: MYO7A (myosin VIIA; plus strand). Cytogenetic location: 11q13.5.
Variant type: Duplication.
Coding change: c.1971dup on transcript NM_000260.4 (MANE Select); coding-DNA position 1971, one base duplicated (G; older notation c.1971dupG).
Protein change: p.Tyr658fs; shifts the reading frame from tyrosine 658.
Molecular consequence: frameshift variant.
Genome position (GRCh38, 1-based): chr11:77,174,791, G duplicated; the last of 2 consecutive G bases (chr11:77,174,790-77,174,791); duplicating either gives the same sequence. VCF-style (leftmost placement, unchanged base first): chr11-77174789-C-CG. GRCh37 (hg19) VCF-style: chr11-76885835-C-CG.
Other names: c.1971dup, p.Tyr658fs (NM_001127180.2); c.1938dup, p.Tyr647fs (NM_001369365.1); short protein forms Y647fs, Y658fs.
Identifiers: ClinVar variation 5012005 (VCV005012005.1).
Genomic context (GRCh38, chr11:77,174,789, plus strand): 5'-TGATGCCCTTGGCTGTGTGCCTGGCAGCTGTTCGACCGGCACCTGTGCGTGCGCCAGCTG[C>CG]GGTACTCAGGAATGATGGAGACCATCCGAATCCGCCGAGCTGGCTACCCCATCCGCTACA-3'

ClinVar aggregate classification (germline): Pathogenic (1 of 4 stars; one submission).

Conditions:
Usher syndrome type 1 (USH1). Also called: RETINITIS PIGMENTOSA AND CONGENITAL DEAFNESS. Identifiers: Orphanet 231169, Orphanet 886, MedGen C1568247, MONDO:0010168, OMIM 276900.

Submission:

Myriad Genetics, Inc.
Classification: Pathogenic for Usher syndrome type 1. Last evaluated: 2023-09-27. Review status: criteria provided, single submitter. Criteria: Myriad Autosomal Dominant, Autosomal Recessive and X-Linked Classification Criteria (2023). Collection method: clinical testing. Allele origin: unknown.
Comment: NM_000260.3(MYO7A):c.1971dupG(Y658Vfs*53) is expected to be pathogenic in the context of MYO7A-related disorders. This variant is predicted to lead to an abnormal or absent protein product due to the creation of a premature termination codon in MYO7A, a gene where loss-of-function variants are known to be pathogenic. Please note: this variant was assessed in the context of healthy population screening.